The following is an entry in ClinVar:

ClinVar aggregate classification (germline): Conflicting classifications of pathogenicity. Review status: criteria provided, conflicting classifications (1 of 4 stars). 4 submissions from 4 submitters: Uncertain significance (3); Likely benign (1). Last evaluated 2023-07-08.

Conditions:
Hereditary cancer-predisposing syndrome. Also called: Neoplastic Syndromes, Hereditary; Tumor predisposition; Hereditary neoplastic syndrome; Hereditary Cancer Syndrome. Identifiers: Orphanet 140162, MedGen C0027672, MeSH D009386, MONDO:0015356.
Hereditary breast ovarian cancer syndrome. Also called: Hereditary breast and ovarian cancer syndrome; Hereditary breast and ovarian cancer; Hereditary breast and ovarian cancer syndrome (HBOC); Breast and ovarian cancer; Hereditary breast and/or ovarian cancer syndrome; BRCA1- and BRCA2-Associated Hereditary Breast and Ovarian Cancer. Identifiers: Orphanet 145, MedGen C0677776, MeSH D061325, MONDO:0003582. Disease mechanism: loss of function.

Submissions (4):

Labcorp Genetics (formerly Invitae), Labcorp
Classification: Uncertain significance for Hereditary breast ovarian cancer syndrome. Last evaluated: 2023-07-08. Review status: criteria provided, single submitter. Criteria: Invitae Variant Classification Sherloc (09022015). Collection method: clinical testing. Allele origin: germline.
Comment: ClinVar contains an entry for this variant (Variation ID: 628822). Advanced modeling of protein sequence and biophysical properties (such as structural, functional, and spatial information, amino acid conservation, physicochemical variation, residue mobility, and thermodynamic stability) performed at Invitae indicates that this missense variant is not expected to disrupt BRCA2 protein function. In summary, the available evidence is currently insufficient to determine the role of this variant in disease. Therefore, it has been classified as a Variant of Uncertain Significance. This variant has not been reported in the literature in individuals affected with BRCA2-related conditions. This variant is not present in population databases (gnomAD no frequency). This sequence change replaces glutamic acid, which is acidic and polar, with lysine, which is basic and polar, at codon 2261 of the BRCA2 protein (p.Glu2261Lys).

University of Washington Department of Laboratory Medicine, University of Washington
Classification: Likely benign for Hereditary cancer-predisposing syndrome. Last evaluated: 2023-03-23. Review status: criteria provided, single submitter. Criteria: Dines et al. (Genet Med. 2020). Collection method: curation. Allele origin: germline.
Comment: Missense variant in a coldspot region where missense variants are very unlikely to be pathogenic (PMID:31911673).

BRCA2 exon 11 coldspot. Reclassification based on statistical prior probability.

Ambry Genetics
Classification: Uncertain significance for Hereditary cancer-predisposing syndrome. Last evaluated: 2021-05-17. Review status: criteria provided, single submitter. Criteria: Ambry Variant Classification Scheme 2023. Collection method: clinical testing. Allele origin: germline.
Comment: The p.E2261K variant (also known as c.6781G>A), located in coding exon 10 of the BRCA2 gene, results from a G to A substitution at nucleotide position 6781. The glutamic acid at codon 2261 is replaced by lysine, an amino acid with similar properties. This amino acid position is well conserved in available vertebrate species. In addition, the in silico prediction for this alteration is inconclusive. Since supporting evidence is limited at this time, the clinical significance of this alteration remains unclear.

Color Diagnostics, LLC DBA Color Health
Classification: Uncertain significance for Hereditary cancer-predisposing syndrome. Last evaluated: 2019-04-13. Review status: criteria provided, single submitter. Criteria: ACMG Guidelines, 2015. Collection method: clinical testing. Allele origin: germline.

NM_000059.4(BRCA2):c.6781G>A (p.Glu2261Lys)

Gene: BRCA2 (BRCA2 DNA repair associated; plus strand). Cytogenetic location: 13q13.1.
Variant type: single nucleotide variant.
Coding change: c.6781G>A on transcript NM_000059.4 (MANE Select); coding-DNA position 6781, G replaced by A.
Protein change: p.Glu2261Lys; replaces glutamic acid 2261 with lysine.
Molecular consequence: missense variant.
Genome position (GRCh38, 1-based): chr13:32,341,136, G>A. VCF-style: chr13-32341136-G-A. GRCh37 (hg19) VCF-style: chr13-32915273-G-A.
Other names: short protein forms E2261K.
Identifiers: ClinVar variation 628822 (VCV000628822.14), dbSNP rs876660812, ClinGen allele CA387791265.